The following is an entry in ClinVar:

ClinVar aggregate classification (germline): Uncertain significance (1 of 4 stars; one submission).

Conditions:
Familial cancer of breast. Also called: hereditary breast carcinoma; BREAST CANCER, FAMILIAL; Hereditary breast cancer. Identifiers: Orphanet 227535, MedGen C0346153, MONDO:0016419, OMIM 114480. Disease mechanism: loss of function.

Submission:

Labcorp Genetics (formerly Invitae), Labcorp
Classification: Uncertain significance for Familial cancer of breast. Last evaluated: 2023-02-24. Review status: criteria provided, single submitter. Criteria: Invitae Variant Classification Sherloc (09022015). Collection method: clinical testing. Allele origin: germline.
Comment: This variant has not been reported in the literature in individuals affected with PALB2-related conditions. In summary, the available evidence is currently insufficient to determine the role of this variant in disease. Therefore, it has been classified as a Variant of Uncertain Significance. Advanced modeling of protein sequence and biophysical properties (such as structural, functional, and spatial information, amino acid conservation, physicochemical variation, residue mobility, and thermodynamic stability) performed at Invitae indicates that this missense variant is not expected to disrupt PALB2 protein function. This variant is not present in population databases (gnomAD no frequency). This sequence change replaces cysteine, which is neutral and slightly polar, with phenylalanine, which is neutral and non-polar, at codon 527 of the PALB2 protein (p.Cys527Phe).

NM_024675.4(PALB2):c.1580G>T (p.Cys527Phe)

Gene: PALB2 (partner and localizer of BRCA2; minus strand). Cytogenetic location: 16p12.2.
Variant type: single nucleotide variant.
Coding change: c.1580G>T on transcript NM_024675.4 (MANE Select); coding-DNA position 1580, G replaced by T.
Protein change: p.Cys527Phe; replaces cysteine 527 with phenylalanine.
Molecular consequence: missense variant. On other transcripts: intron variant (3).
Genome position (GRCh38, 1-based): chr16:23,634,966, C>A on the plus strand (G>T on the coding strand, the complement: PALB2 is on the minus strand). VCF-style: chr16-23634966-C-A. GRCh37 (hg19) VCF-style: chr16-23646287-C-A.
Other names: c.1520G>T, p.Cys507Phe (NM_001407296.1); c.1580G>T, p.Cys527Phe (NM_001407297.1, NM_001407298.1, NM_001407299.1 and 3 more transcripts); c.695G>T, p.Cys232Phe (NM_001407304.1, NM_001407305.1, NM_001407306.1 and 5 more transcripts); c.49-5691G>T (NM_001407314.1); c.-104-4497G>T (NM_001407313.1, NM_001407312.1); short protein forms C527F, C232F, C507F.
Identifiers: ClinVar variation 2840332 (VCV002840332.3), dbSNP rs1555461206, ClinGen allele CA395130650.